The following is an entry in ClinVar:

ClinVar aggregate classification (germline): Benign/Likely benign. Review status: criteria provided, multiple submitters, no conflicts (2 of 4 stars). 3 submissions from 3 submitters: Benign (1); Likely benign (2). Last evaluated 2026-02-04.

Conditions:
BCKDHB-related disorder. Also called: BCKDHB-related condition.
Maple syrup urine disease (MSUD). Identifiers: Orphanet 511, MedGen C0024776, MeSH D008375, MONDO:0009563. Disease mechanism: loss of function.

Allele frequency attached by ClinVar (database versions not stated): 1000 Genomes Project 30x 0.00203; ESP Exome Variant Server 0.00208; gnomAD exomes 0.00050; ExAC 0.00066; gnomAD 0.00174 and 0.00185; TOPMed 0.00180; 1000 Genomes Project 0.00200.
gnomAD v4.1: 534 of 1,614,006 alleles (0.033%); highest among the groups gnomAD compares: African/African-American, 0.6%; 3 homozygotes.

Submissions (3):

Labcorp Genetics (formerly Invitae), Labcorp
Classification: Benign for Maple syrup urine disease. Last evaluated: 2026-02-04. Review status: criteria provided, single submitter. Criteria: Invitae Variant Classification Sherloc (09022015). Collection method: clinical testing. Allele origin: germline.

PreventionGenetics, part of Exact Sciences
Classification: Likely benign for BCKDHB-related condition. Last evaluated: 2025-05-18. Review status: criteria provided, single submitter. Criteria: ACMG Guidelines, 2015. Collection method: clinical testing. Allele origin: germline.
Comment: This variant is classified as likely benign based on ACMG/AMP sequence variant interpretation guidelines (Richards et al. 2015 PMID: 25741868, with internal and published modifications).

GeneDx
Classification: Likely benign. Last evaluated: 2017-12-26. Review status: criteria provided, single submitter. Criteria: GeneDx Variant Classification (06012015). Collection method: clinical testing. Allele origin: germline. Affected: yes.
Comment: This variant is considered likely benign or benign based on one or more of the following criteria: it is a conservative change, it occurs at a poorly conserved position in the protein, it is predicted to be benign by multiple in silico algorithms, and/or has population frequency not consistent with disease.

NM_183050.4(BCKDHB):c.447T>C (p.Phe149=)

Gene: BCKDHB (branched chain keto acid dehydrogenase E1 subunit beta; plus strand). Cytogenetic location: 6q14.1.
Variant type: single nucleotide variant.
Coding change: c.447T>C on transcript NM_183050.4 (MANE Select); coding-DNA position 447, T replaced by C.
Protein change: p.Phe149=; no amino-acid change (phenylalanine 149 retained).
Molecular consequence: synonymous variant. On other transcripts: non-coding transcript variant (1).
Genome position (GRCh38, 1-based): chr6:80,167,781, T>C. VCF-style: chr6-80167781-T-C. GRCh37 (hg19) VCF-style: chr6-80877498-T-C.
Other names: c.447T>C, p.Phe149= (NM_000056.5); c.237T>C, p.Phe79= (NM_001318975.1); c.447T>C (NM_183050.3).
Identifiers: ClinVar variation 384204 (VCV000384204.14), dbSNP rs35969420, ClinGen allele CA3902611.
Genomic context (GRCh38, chr6:80,167,781, plus strand): 5'-TGTTGGATTTGGAATCGGAATTGCGGTCACTGGAGCTACTGCCATTGCGGAAATTCAGTT[T>C]GCAGATTATATTTTCCCTGCATTTGATCAGGTAAGTGAATGAACATTTCTAAGGTTGTTC-3'
Protein context (NP_898871.1, residues 139-159): TGATAIAEIQ[Phe149=]ADYIFPAFDQ